The following is an entry in ClinVar:

NM_001005373.4(LRSAM1):c.252+3A>G

Gene: LRSAM1 (leucine rich repeat and sterile alpha motif containing 1; plus strand). Cytogenetic location: 9q33.3.
Variant type: single nucleotide variant.
Coding change: c.252+3A>G on transcript NM_001005373.4 (MANE Select); 3 bases into the intron after coding-DNA position 252, A replaced by G.
Molecular consequence: intron variant.
Genome position (GRCh38, 1-based): chr9:127,457,396, A>G. VCF-style: chr9-127457396-A-G. GRCh37 (hg19) VCF-style: chr9-130219675-A-G.
Other names: c.252+3A>G (NM_138361.5, NM_001384142.1, NM_001384143.1 and 2 more transcripts); c.-533+3A>G (NM_001384144.1).
Identifiers: ClinVar variation 1427041 (VCV001427041.7), dbSNP rs764331245, ClinGen allele CA5246453.
Genomic context (GRCh38, chr9:127,457,396, plus strand): 5'-TCACCTCACTTCCCTGCTTCCCAAATCCTGCAGCCTCCTGAGTCTGGCAACCATCAAGGT[A>G]CTGGGCCCTCCTCCCAGGCAGCTGGGGCTCTGCATGGGGTTCCACGCGGCAGCTGAGCGC-3'

ClinVar aggregate classification (germline): Uncertain significance. Review status: criteria provided, multiple submitters, no conflicts (2 of 4 stars). 2 submissions from 2 submitters: Uncertain significance (2). Last evaluated 2026-01-05.

Conditions:
Charcot-Marie-Tooth disease axonal type 2P. Also called: Charcot-Marie-Tooth Neuropathy Type 2G; CHARCOT-MARIE-TOOTH NEUROPATHY, TYPE 2P; CHARCOT-MARIE-TOOTH DISEASE, AXONAL, TYPE 2G; CMT 2G. Identifiers: Orphanet 300319, Orphanet 99941, MedGen C3280797, MONDO:0013753, OMIM 614436.

Allele frequency attached by ClinVar (database versions not stated): TOPMed below 0.00001; gnomAD 0.00001; gnomAD exomes 0.00001 and 0.00004; ExAC 0.00003.
gnomAD v4.1: 21 of 1,613,940 alleles (0.0013%); highest among the groups gnomAD compares: Middle Eastern, 0.016%; no homozygotes.

Submissions (2):

Labcorp Genetics (formerly Invitae), Labcorp
Classification: Uncertain significance for Charcot-Marie-Tooth disease axonal type 2P. Last evaluated: 2026-01-05. Review status: criteria provided, single submitter. Criteria: Invitae Variant Classification Sherloc (09022015). Collection method: clinical testing. Allele origin: germline.
Comment: This sequence change falls in intron 5 of the LRSAM1 gene. It does not directly change the encoded amino acid sequence of the LRSAM1 protein. It affects a nucleotide within the consensus splice site. This variant is present in population databases (rs764331245, gnomAD 0.01%). This variant has not been reported in the literature in individuals affected with LRSAM1-related conditions. ClinVar contains an entry for this variant (Variation ID: 1427041). Variants that disrupt the consensus splice site are a relatively common cause of aberrant splicing (PMID: 17576681, 9536098). Algorithms developed to predict the effect of sequence changes on RNA splicing suggest that this variant may disrupt the consensus splice site. In summary, the available evidence is currently insufficient to determine the role of this variant in disease. Therefore, it has been classified as a Variant of Uncertain Significance.

Department of Clinical Genetics, Copenhagen University Hospital, Rigshospitalet
Classification: Uncertain significance for Charcot-Marie-Tooth disease axonal type 2P. Last evaluated: 2024-07-10. Review status: criteria provided, single submitter. Criteria: ACMG Guidelines, 2015. Collection method: clinical testing. Allele origin: germline.
Comment: PM2_Sup, PP3_Sup

Literature cited by the submitters: PubMed 17576681 (cited by Labcorp Genetics (formerly Invitae), Labcorp); PubMed 9536098 (cited by Labcorp Genetics (formerly Invitae), Labcorp).